The following is an entry in ClinVar:

ClinVar aggregate classification (germline): Likely pathogenic (1 of 4 stars; one submission).

Conditions:
Hereditary breast ovarian cancer syndrome. Also called: Hereditary breast and ovarian cancer; Hereditary breast and ovarian cancer syndrome (HBOC); Breast and ovarian cancer; Hereditary breast and/or ovarian cancer syndrome; BRCA1- and BRCA2-Associated Hereditary Breast and Ovarian Cancer; Hereditary breast and ovarian cancer syndrome. Identifiers: Orphanet 145, MedGen C0677776, MeSH D061325, MONDO:0003582. Disease mechanism: loss of function.

Submissions (2):

Labcorp Genetics (formerly Invitae), Labcorp
Classification: Likely pathogenic for Hereditary breast ovarian cancer syndrome. Last evaluated: 2024-04-15. Review status: criteria provided, single submitter. Criteria: Invitae Variant Classification Sherloc (09022015). Collection method: clinical testing. Allele origin: germline.
Comment: This sequence change replaces glycine, which is neutral and non-polar, with valine, which is neutral and non-polar, at codon 1706 of the BRCA1 protein (p.Gly1706Val). This variant is not present in population databases (gnomAD no frequency). This variant has not been reported in the literature in individuals affected with BRCA1-related conditions. ClinVar contains an entry for this variant (Variation ID: 868673). Advanced modeling performed at Invitae incorporating data from internal and/or published experimental studies (PMID: 30209399) indicates that this missense variant is expected to disrupt BRCA1 function with a positive predictive value of 95%. This variant disrupts the p.Gly1706 amino acid residue in BRCA1. Other variant(s) that disrupt this residue have been determined to be pathogenic (PMID: 10755399, 11979449, 12385650, 15689452, 15923272, 17262179, 17308087, 17924331, 20516115, 20727672, 22144684, 23867111, 25948282, 27272900, 27616075, 28781887, 29446198, 30209399, 30458859). This suggests that this residue is clinically significant, and that variants that disrupt this residue are likely to be disease-causing. In summary, the currently available evidence indicates that the variant is pathogenic, but additional data are needed to prove that conclusively. Therefore, this variant has been classified as Likely Pathogenic.

Brotman Baty Institute, University of Washington
No classification provided (evidence only). Condition: Breast-ovarian cancer, familial 1. Review status: no classification provided. Collection method: in vitro. Allele origin: not applicable. Functional consequence: functionally_abnormal. Not counted in ClinVar's aggregate classification.
ClinVar note: "not provided" was previously submitted as the classification for the variant. However, the classification appeared to be based only on an observation of functional data so it was converted to no classification on 2025-07-30.

Literature cited by the submitters: PubMed 30209399 (cited by Labcorp Genetics (formerly Invitae), Labcorp); PubMed 10755399 (cited by Labcorp Genetics (formerly Invitae), Labcorp); PubMed 11979449 (cited by Labcorp Genetics (formerly Invitae), Labcorp); PubMed 12385650 (cited by Labcorp Genetics (formerly Invitae), Labcorp); PubMed 15689452 (cited by Labcorp Genetics (formerly Invitae), Labcorp); PubMed 15923272 (cited by Labcorp Genetics (formerly Invitae), Labcorp); PubMed 17262179 (cited by Labcorp Genetics (formerly Invitae), Labcorp); PubMed 17308087 (cited by Labcorp Genetics (formerly Invitae), Labcorp); PubMed 17924331 (cited by Labcorp Genetics (formerly Invitae), Labcorp); PubMed 20516115 (cited by Labcorp Genetics (formerly Invitae), Labcorp); PubMed 20727672 (cited by Labcorp Genetics (formerly Invitae), Labcorp); PubMed 22144684 (cited by Labcorp Genetics (formerly Invitae), Labcorp); PubMed 23867111 (cited by Labcorp Genetics (formerly Invitae), Labcorp); PubMed 25948282 (cited by Labcorp Genetics (formerly Invitae), Labcorp); PubMed 27272900 (cited by Labcorp Genetics (formerly Invitae), Labcorp); PubMed 27616075 (cited by Labcorp Genetics (formerly Invitae), Labcorp); PubMed 28781887 (cited by Labcorp Genetics (formerly Invitae), Labcorp); PubMed 29446198 (cited by Labcorp Genetics (formerly Invitae), Labcorp); PubMed 30458859 (cited by Labcorp Genetics (formerly Invitae), Labcorp).

NM_007294.4(BRCA1):c.5117G>T (p.Gly1706Val)

Gene: BRCA1 (BRCA1 DNA repair associated; minus strand). Cytogenetic location: 17q21.31.
Variant type: single nucleotide variant.
Coding change: c.5117G>T on transcript NM_007294.4 (MANE Select); coding-DNA position 5117, G replaced by T.
Protein change: p.Gly1706Val; replaces glycine 1706 with valine.
Molecular consequence: missense variant. On other transcripts: non-coding transcript variant (1).
Genome position (GRCh38, 1-based): chr17:43,063,909, C>A on the plus strand (G>T on the coding strand, the complement: BRCA1 is on the minus strand). VCF-style: chr17-43063909-C-A. GRCh37 (hg19) VCF-style: chr17-41215926-C-A.
Other names: c.4904G>T, p.Gly1635Val (NM_001407571.1, NM_001407894.1, NM_001407895.1 and 12 more transcripts); c.5183G>T, p.Gly1728Val (NM_001407581.1, NM_001407582.1); c.5180G>T, p.Gly1727Val (NM_001407583.1, NM_001407585.1, NM_001407587.1 and 1 more transcripts); c.5177G>T, p.Gly1726Val (NM_001407590.1, NM_001407591.1); c.5117G>T, p.Gly1706Val (NM_001407593.1, NM_001407594.1, NM_001407596.1 and 7 more transcripts); c.5114G>T, p.Gly1705Val (NM_001407617.1, NM_001407618.1, NM_001407619.1 and 17 more transcripts); c.5111G>T, p.Gly1704Val (NM_001407636.1, NM_001407637.1, NM_001407638.1 and 14 more transcripts); c.5108G>T, p.Gly1703Val (NM_001407644.1, NM_001407645.1); and 71 more; short protein forms G1706V, G1659V, G1727V, G602V, G1409V, G1578V, G1593V, G1594V.
Identifiers: ClinVar variation 868673 (VCV000868673.12), dbSNP rs80356860, ClinGen allele CA10591300.